The following is an entry in ClinVar:

ClinVar aggregate classification (germline): Uncertain significance (1 of 4 stars; one submission).

Submission:

CeGaT Center for Human Genetics Tuebingen
Classification: Uncertain significance. Last evaluated: 2024-11-01. Review status: criteria provided, single submitter. Criteria: CeGaT Center For Human Genetics Tuebingen Variant Classification Criteria Version 2. Collection method: clinical testing. Allele origin: germline. Affected: yes. Observed: 1 variant allele.
Comment: RAD51D: PM2, PVS1:Moderate

NM_002878.4(RAD51D):c.903+2T>G

Genes: RAD51D (RAD51 paralog D; minus strand), RAD51L3-RFFL (RAD51L3-RFFL readthrough; minus strand). Cytogenetic location: 17q12.
Variant type: single nucleotide variant.
Coding change: c.903+2T>G on transcript NM_002878.4 (MANE Select); the canonical splice donor site of the intron after coding-DNA position 903, T replaced by G.
Molecular consequence: splice donor variant.
Genome position (GRCh38, 1-based): chr17:35,101,199, A>C on the plus strand (T>G on the coding strand, the complement: RAD51D is on the minus strand). VCF-style: chr17-35101199-A-C. GRCh37 (hg19) VCF-style: chr17-33428218-A-C.
Other names: c.567+2T>G (NM_133629.3); c.963+2T>G (NM_001142571.2).
Identifiers: ClinVar variation 3390029 (VCV003390029.14).